The following is an entry in ClinVar:

NM_004656.4(BAP1):c.123-20C>T

Gene: BAP1 (BRCA1 associated deubiquitinase 1; minus strand). Cytogenetic location: 3p21.1.
Variant type: single nucleotide variant.
Coding change: c.123-20C>T on transcript NM_004656.4 (MANE Select); 20 bases into the intron before coding-DNA position 123, C replaced by T.
Molecular consequence: intron variant.
Genome position (GRCh38, 1-based): chr3:52,408,626, G>A on the plus strand (C>T on the coding strand, the complement: BAP1 is on the minus strand). VCF-style: chr3-52408626-G-A. GRCh37 (hg19) VCF-style: chr3-52442642-G-A.
Identifiers: ClinVar variation 490782 (VCV000490782.16), dbSNP rs747271100, ClinGen allele CA2437173.

ClinVar aggregate classification (germline): Likely benign. Review status: criteria provided, multiple submitters, no conflicts (2 of 4 stars). 4 submissions from 4 submitters: Likely benign (4). Last evaluated 2026-02-03.

Conditions:
BAP1-related tumor predisposition syndrome (TPDS1). Also called: Tumor susceptibility linked to germline BAP1 mutations; BAP1 tumor predisposition syndrome; COMMON Syndrome; TUMOR PREDISPOSITION SYNDROME 1. Identifiers: Orphanet 289539, MedGen C3280492, MONDO:0013692, OMIM 614327.
Hereditary cancer-predisposing syndrome. Also called: Tumor predisposition; Hereditary Cancer Syndrome; Neoplastic Syndromes, Hereditary; Hereditary neoplastic syndrome. Identifiers: Orphanet 140162, MedGen C0027672, MeSH D009386, MONDO:0015356.

Allele frequency attached by ClinVar (database versions not stated): TOPMed 0.00001; ExAC 0.00002; gnomAD 0.00003; gnomAD exomes 0.00003.
gnomAD v4.1: 37 of 1,605,710 alleles (0.0023%); highest among the groups gnomAD compares: Non-Finnish European, 0.0028%; no homozygotes.

Submissions (4):

Labcorp Genetics (formerly Invitae), Labcorp
Classification: Likely benign for BAP1-related tumor predisposition syndrome. Last evaluated: 2026-02-03. Review status: criteria provided, single submitter. Criteria: Invitae Variant Classification Sherloc (09022015). Collection method: clinical testing. Allele origin: germline.

Myriad Genetics, Inc.
Classification: Likely benign for BAP1-related tumor predisposition syndrome. Last evaluated: 2024-07-11. Review status: criteria provided, single submitter. Criteria: Myriad Autosomal Dominant, Autosomal Recessive and X-Linked Classification Criteria (2023). Collection method: clinical testing. Allele origin: unknown.
Comment: This variant is considered likely benign. This variant is intronic and is not expected to impact mRNA splicing.

Blueprint Genetics
Classification: Likely benign. Last evaluated: 2023-01-26. Review status: criteria provided, single submitter. Criteria: ACMG Guidelines, 2015. Collection method: clinical testing. Allele origin: germline.

Color Diagnostics, LLC DBA Color Health
Classification: Likely benign for Hereditary cancer-predisposing syndrome. Last evaluated: 2017-03-09. Review status: criteria provided, single submitter. Criteria: ACMG Guidelines, 2015. Collection method: clinical testing. Allele origin: germline.